The following is an entry in ClinVar:

ClinVar aggregate classification (germline): Pathogenic (1 of 4 stars; one submission).

Submission:

Labcorp Genetics (formerly Invitae), Labcorp
Classification: Pathogenic. Last evaluated: 2024-07-27. Review status: criteria provided, single submitter. Criteria: Invitae Variant Classification Sherloc (09022015). Collection method: clinical testing. Allele origin: germline.
Comment: This sequence change creates a premature translational stop signal (p.Gly2310Argfs*15) in the COL7A1 gene. It is expected to result in an absent or disrupted protein product. Loss-of-function variants in COL7A1 are known to be pathogenic (PMID: 16971478). This variant is not present in population databases (gnomAD no frequency). This variant has not been reported in the literature in individuals affected with COL7A1-related conditions. For these reasons, this variant has been classified as Pathogenic.

Literature cited by the submitters: PubMed 16971478.

NM_000094.4(COL7A1):c.6928_6929del (p.Gly2310fs)

Gene: COL7A1 (collagen type VII alpha 1 chain; minus strand). Cytogenetic location: 3p21.31.
Variant type: Deletion.
Coding change: c.6928_6929del on transcript NM_000094.4 (MANE Select); coding-DNA positions 6928 to 6929, 2 bases deleted (GG; older notation c.6928_6929delGG).
Protein change: p.Gly2310fs; shifts the reading frame from glycine 2310.
Molecular consequence: frameshift variant.
Genome position (GRCh38, 1-based): chr3:48,572,510-48,572,511, CC deleted on the plus strand (GG on the coding strand, the reverse complement: COL7A1 is on the minus strand); deleting any 2 consecutive bases within chr3:48,572,510-48,572,512 gives the same sequence; the c. name uses the placement nearest the transcript's 3' end. VCF-style (leftmost placement, unchanged base first): chr3-48572509-TCC-T. GRCh37 (hg19) VCF-style: chr3-48609942-TCC-T.
Other names: short protein forms G2310fs.
Identifiers: ClinVar variation 3693089 (VCV003693089.2).
Genomic context (GRCh38, chr3:48,572,509, plus strand): 5'-TCCTTGGCCCCCACCAGTTGACCCCCCCTCACTGGCAGCCCCACACACACTCACCTTCTC[TCC>T]CTTTGCTCCAGGGAGCCCGACCACAGCCTGTGGGGAATGCTAGTGAGTTTCCTCCTCCTC-3'